The following is an entry in ClinVar:

NM_000132.4(F8):c.1748A>G (p.Asn583Ser)

Gene: F8 (coagulation factor VIII; minus strand). Cytogenetic location: Xq28.
Variant type: single nucleotide variant.
Coding change: c.1748A>G on transcript NM_000132.4 (MANE Select); coding-DNA position 1748, A replaced by G.
Protein change: p.Asn583Ser; replaces asparagine 583 with serine.
Molecular consequence: missense variant.
Genome position (GRCh38, 1-based): chrX:154,956,961, T>C on the plus strand (A>G on the coding strand, the complement: F8 is on the minus strand). VCF-style: chrX-154956961-T-C. GRCh37 (hg19) VCF-style: chrX-154185236-T-C.
Other names: c.1748A>G (NM_000132.3); short protein forms N583S.
Identifiers: ClinVar variation 488511 (VCV000488511.4), dbSNP rs782657516, ClinGen allele CA10568415.

ClinVar aggregate classification (germline): Conflicting classifications of pathogenicity. Review status: criteria provided, conflicting classifications (1 of 4 stars). 3 submissions from 3 submitters: Likely pathogenic (1); Uncertain significance (2). Last evaluated 2025-09-22.

Conditions:
F8-related disorder. Also called: F8-related condition.
Hereditary factor VIII deficiency disease (HEMA). Also called: HEMOPHILIA, CLASSIC; AUTOSOMAL HEMOPHILIA A; Hemophilia A, congenital; HEM A; Factor 8 deficiency, congenital; Hemophilia A. Identifiers: Orphanet 98878, MedGen C0019069, MONDO:0010602, OMIM 306700.

Allele frequency attached by ClinVar (database versions not stated): ExAC 0.00002; gnomAD exomes 0.00002; gnomAD 0.00003; TOPMed 0.00003.
gnomAD v4.1: 22 of 1,207,743 alleles (0.0018%); highest among the groups gnomAD compares: South Asian, 0.035%; 1 homozygote.

Submissions (3):

PreventionGenetics, part of Exact Sciences
Classification: Uncertain significance for F8-related condition. Last evaluated: 2025-09-22. Review status: criteria provided, single submitter. Criteria: ACMG Guidelines, 2015. Collection method: clinical testing. Allele origin: germline.
Comment: The F8 c.1748A>G variant is predicted to result in the amino acid substitution p.Asn583Ser. This variant, also known as p.Asn564Ser, has been reported in multiple individuals with mild hemophilia A (Liu et al. 2002. PubMed ID: 11858487; Table S1, Markoff et al. 2009. PubMed ID: 19473423; Nance et al. 2013. PubMed ID: 23711294; Table S7, Kingsmore et al. 2022. PubMed ID: 36007526). This variant is reported in 0.016% of alleles in individuals of South Asian descent in gnomAD including 1 hemizygote. Although we suspect that this variant may be pathogenic, at this time, the clinical significance of this variant is uncertain due to the absence of conclusive functional and genetic evidence.

Institute of Human Genetics Munich, TUM University Hospital
Classification: Likely pathogenic for Hereditary factor VIII deficiency disease. Last evaluated: 2017-12-18. Review status: criteria provided, single submitter. Criteria: Classification criteria August 2017. Collection method: clinical testing. Allele origin: maternal. Inheritance: X-linked inheritance. Affected: yes. Observed: 1 hemizygote.

Neuberg Centre For Genomic Medicine, NCGM
Classification: Uncertain significance for Hereditary factor VIII deficiency disease. Review status: criteria provided, single submitter. Criteria: ACMG Guidelines, 2015. Collection method: clinical testing. Allele origin: germline. Inheritance: X-linked recessive inheritance. Affected: yes.
Comment: The missense variant p.N583S in F8 (NM_000132.4) has not been reported previously as a pathogenic variant nor as a benign variant, to our knowledge. It has been submitted to ClinVar as Likely Pathogenic but no details are available for independent assessment. The p.N583S variant is observed in 3/19,080 (0.0157%) alleles from individuals of South Asian background in gnomAD Exomes and is novel (not in any individuals) in 1000 Genomes. secondary protein structure as these residues share similar properties. For these reasons, this variant has been classified as Uncertain Significance.